The following is an entry in ClinVar:

NM_003835.4(RGS9):c.103C>T (p.Arg35Ter)

Gene: RGS9 (regulator of G protein signaling 9; plus strand). Cytogenetic location: 17q24.1.
Variant type: single nucleotide variant.
Coding change: c.103C>T on transcript NM_003835.4 (MANE Select); coding-DNA position 103, C replaced by T.
Protein change: p.Arg35Ter; replaces arginine 35 with a stop codon.
Molecular consequence: nonsense.
Genome position (GRCh38, 1-based): chr17:65,153,467, C>T. VCF-style: chr17-65153467-C-T. GRCh37 (hg19) VCF-style: chr17-63149585-C-T.
Other names: c.103C>T, p.Arg35Ter (NM_001081955.3, NM_001165933.2); short protein forms R35*.
Identifiers: ClinVar variation 959975 (VCV000959975.8), dbSNP rs781307223, ClinGen allele CA8717487.
Genomic context (GRCh38, chr17:65,153,467, plus strand): 5'-TGTTCTGTCTTGCAGATTGAAGCGCTCGTGAAGGACATGCAGAACCCAGAGACAGGGGTC[C>T]GAATGCAGAACCAGAGGGTCCTGGTCACCAGCGTTCCTCATGCCATGACAGGTGATGTAG-3'

ClinVar aggregate classification (germline): Pathogenic/Likely pathogenic. Review status: criteria provided, multiple submitters, no conflicts (2 of 4 stars). 2 submissions from 2 submitters: Pathogenic (1); Likely pathogenic (1). Last evaluated 2024-07-15.

Conditions:
RGS9-related disorder. Also called: RGS9-related condition.

Allele frequency attached by ClinVar (database versions not stated): gnomAD 0.00001; ExAC 0.00002; gnomAD exomes 0.00002; TOPMed 0.00002.
gnomAD v4.1: 11 of 1,614,004 alleles (0.00068%); highest among the groups gnomAD compares: East Asian, 0.0022%; no homozygotes.

Submissions (2):

Blueprint Genetics
Classification: Likely pathogenic for RGS9-related disorders. Last evaluated: 2024-07-15. Review status: criteria provided, single submitter. Criteria: ACMG Guidelines, 2015. Collection method: clinical testing. Allele origin: germline. Affected: yes. Observed: 1 variant allele.

Labcorp Genetics (formerly Invitae), Labcorp
Classification: Pathogenic. Last evaluated: 2024-03-07. Review status: criteria provided, single submitter. Criteria: Invitae Variant Classification Sherloc (09022015). Collection method: clinical testing. Allele origin: germline.
Comment: This sequence change creates a premature translational stop signal (p.Arg35*) in the RGS9 gene. It is expected to result in an absent or disrupted protein product. Loss-of-function variants in RGS9 are known to be pathogenic (PMID: 11262419, 14702087). This variant is present in population databases (rs781307223, gnomAD 0.006%). This variant has not been reported in the literature in individuals affected with RGS9-related conditions. ClinVar contains an entry for this variant (Variation ID: 959975). For these reasons, this variant has been classified as Pathogenic.

Literature cited by the submitters: PubMed 11262419 (cited by Labcorp Genetics (formerly Invitae), Labcorp); PubMed 14702087 (cited by Labcorp Genetics (formerly Invitae), Labcorp).